The following is an entry in ClinVar:

ClinVar aggregate classification (germline): Conflicting classifications of pathogenicity. Review status: criteria provided, conflicting classifications (1 of 4 stars). 7 submissions from 7 submitters: Uncertain significance (1); Benign (1); Likely benign (5). Last evaluated 2026-01-13.

Conditions:
VCL-related disorder. Also called: VCL-related condition.
Cardiovascular phenotype. Identifiers: MedGen CN230736.
Dilated cardiomyopathy 1W (CMD1W). Identifiers: Orphanet 154, MedGen C1969639, MONDO:0012667, OMIM 611407.

Allele frequency attached by ClinVar (database versions not stated): ExAC 0.00004; gnomAD exomes 0.00004 and 0.00017; TOPMed 0.00010; gnomAD 0.00011 and 0.00012; ESP Exome Variant Server 0.00023.
gnomAD v4.1: 265 of 1,614,098 alleles (0.016%); highest among the groups gnomAD compares: Non-Finnish European, 0.021%; no homozygotes.

Submissions (7):

Labcorp Genetics (formerly Invitae), Labcorp
Classification: Likely benign for Dilated cardiomyopathy 1W. Last evaluated: 2026-01-13. Review status: criteria provided, single submitter. Criteria: Invitae Variant Classification Sherloc (09022015). Collection method: clinical testing. Allele origin: germline.

PreventionGenetics, part of Exact Sciences
Classification: Likely benign for VCL-related condition. Last evaluated: 2025-11-25. Review status: criteria provided, single submitter. Criteria: ACMG Guidelines, 2015. Collection method: clinical testing. Allele origin: germline.
Comment: This variant is classified as likely benign based on ACMG/AMP sequence variant interpretation guidelines (Richards et al. 2015 PMID: 25741868, with internal and published modifications).

Blueprint Genetics
Classification: Likely benign. Last evaluated: 2024-04-21. Review status: criteria provided, single submitter. Criteria: ACMG Guidelines, 2015. Collection method: clinical testing. Allele origin: germline.

Ambry Genetics
Classification: Likely benign for Cardiovascular phenotype. Last evaluated: 2024-01-02. Review status: criteria provided, single submitter. Criteria: Ambry Variant Classification Scheme 2023. Collection method: clinical testing. Allele origin: germline.

Illumina Laboratory Services, Illumina
Classification: Uncertain significance for Dilated cardiomyopathy 1W. Last evaluated: 2018-01-13. Review status: criteria provided, single submitter. Criteria: ICSL Variant Classification Criteria 13 December 2019. Collection method: clinical testing. Allele origin: germline.

Laboratory for Molecular Medicine, Mass General Brigham Personalized Medicine
Classification: Likely benign. Last evaluated: 2016-01-26. Review status: criteria provided, single submitter. Criteria: LMM Criteria. Collection method: clinical testing. Allele origin: germline. Observed: 2 variant alleles.
Comment: p.Asp932Asp in exon 19 of VCL: This variant is not expected to have clinical sig nificance because it does not alter an amino acid residue and is not located wit hin the splice consensus sequence. It has been identified in 5/66684 European ch romosomes by the Exome Aggregation Consortium (ExAC. org; dbSNP rs140308982).

GeneDx
Classification: Benign. Last evaluated: 2016-01-15. Review status: criteria provided, single submitter. Criteria: GeneDx Variant Classification (06012015). Collection method: clinical testing. Allele origin: germline. Affected: yes.
Comment: This variant is considered likely benign or benign based on one or more of the following criteria: it is a conservative change, it occurs at a poorly conserved position in the protein, it is predicted to be benign by multiple in silico algorithms, and/or has population frequency not consistent with disease.

NM_014000.3(VCL):c.2796T>C (p.Asp932=)

Gene: VCL (vinculin; plus strand). Cytogenetic location: 10q22.2.
Variant type: single nucleotide variant.
Coding change: c.2796T>C on transcript NM_014000.3 (MANE Select); coding-DNA position 2796, T replaced by C.
Protein change: p.Asp932=; no amino-acid change (aspartic acid 932 retained).
Molecular consequence: synonymous variant. On other transcripts: intron variant (1).
Genome position (GRCh38, 1-based): chr10:74,111,959, T>C. VCF-style: chr10-74111959-T-C. GRCh37 (hg19) VCF-style: chr10-75871717-T-C.
Other names: c.2746-2225T>C (NM_003373.4).
Identifiers: ClinVar variation 45598 (VCV000045598.24), dbSNP rs140308982, ClinGen allele CA136749.